The following is an entry in ClinVar:

NM_000046.5(ARSB):c.1048A>T (p.Ile350Phe)

Gene: ARSB (arylsulfatase B; minus strand). Cytogenetic location: 5q14.1.
Variant type: single nucleotide variant.
Coding change: c.1048A>T on transcript NM_000046.5 (MANE Select); coding-DNA position 1048, A replaced by T.
Protein change: p.Ile350Phe; replaces isoleucine 350 with phenylalanine.
Molecular consequence: missense variant.
Genome position (GRCh38, 1-based): chr5:78,885,678, T>A on the plus strand (A>T on the coding strand, the complement: ARSB is on the minus strand). VCF-style: chr5-78885678-T-A. GRCh37 (hg19) VCF-style: chr5-78181501-T-A.
Other names: c.1048A>T, p.Ile350Phe (NM_198709.3); short protein forms I350F.
Identifiers: ClinVar variation 559668 (VCV000559668.1), dbSNP rs79970603, ClinGen allele CA360342947.

ClinVar aggregate classification (germline): Likely pathogenic (1 of 4 stars; one submission).

Conditions:
Mucopolysaccharidosis type 6 (MPS6). Also called: N-ACETYLGALACTOSAMINE-4-SULFATASE DEFICIENCY; MPS VI; MPS 6; Maroteaux Lamy syndrome; ARSB DEFICIENCY; ARYLSULFATASE B DEFICIENCY. Identifiers: Orphanet 583, MedGen C0026709, MONDO:0009661, OMIM 253200.

Submission:

Laboratory of Diagnosis and Therapy of Lysosomal Disorders, University of Padova
Classification: Likely pathogenic for Mucopolysaccharidosis type 6. Last evaluated: 2018-01-01. Review status: criteria provided, single submitter. Criteria: ACMG Guidelines, 2015. Collection method: curation. Allele origin: germline. Affected: yes.
Comment: In vitro functional studies supportive of a damaging effect on the gene product (low to no ARSB activity in homozygotes; PS3); Absent from GnomAD (PM2)

Literature cited by the submitters: PubMed 27826022; PubMed 30118150.